The following is an entry in ClinVar:

ClinVar aggregate classification (germline): Likely pathogenic (1 of 4 stars; one submission).

Conditions:
Nephronophthisis 15 (NPHP15). Identifiers: Orphanet 3156, MedGen C3541853, MONDO:0013917, OMIM 614845.

Allele frequency attached by ClinVar (database versions not stated): gnomAD exomes below 0.00001; gnomAD 0.00001.
gnomAD v4.1: 5 of 1,613,736 alleles (0.00031%); highest among the groups gnomAD compares: Non-Finnish European, 0.00042%; no homozygotes.

Submission:

Labcorp Genetics (formerly Invitae), Labcorp
Classification: Likely pathogenic for Nephronophthisis 15. Last evaluated: 2022-02-24. Review status: criteria provided, single submitter. Criteria: Invitae Variant Classification Sherloc (09022015). Collection method: clinical testing. Allele origin: germline.
Comment: In summary, the currently available evidence indicates that the variant is pathogenic, but additional data are needed to prove that conclusively. Therefore, this variant has been classified as Likely Pathogenic. Algorithms developed to predict the effect of sequence changes on RNA splicing suggest that this variant may disrupt the consensus splice site. This variant has not been reported in the literature in individuals affected with CEP164-related conditions. This variant is not present in population databases (gnomAD no frequency). This sequence change affects a donor splice site in intron 16 of the CEP164 gene. It is expected to disrupt RNA splicing. Variants that disrupt the donor or acceptor splice site typically lead to a loss of protein function (PMID: 16199547), and loss-of-function variants in CEP164 are known to be pathogenic (PMID: 22863007, 28125082, 32367404, 34132027, 34499853).

Literature cited by the submitters: PubMed 16199547; PubMed 22863007; PubMed 28125082; PubMed 32367404; PubMed 34132027; PubMed 34499853.

NM_014956.5(CEP164):c.2066+1G>A

Gene: CEP164 (centrosomal protein 164; plus strand). Cytogenetic location: 11q23.3.
Variant type: single nucleotide variant.
Coding change: c.2066+1G>A on transcript NM_014956.5 (MANE Select); the canonical splice donor site of the intron after coding-DNA position 2066, G replaced by A.
Molecular consequence: splice donor variant.
Genome position (GRCh38, 1-based): chr11:117,390,909, G>A. VCF-style: chr11-117390909-G-A. GRCh37 (hg19) VCF-style: chr11-117261625-G-A.
Other names: c.2075+1G>A (NM_001271933.2).
Identifiers: ClinVar variation 1349401 (VCV001349401.6), dbSNP rs1279037770, ClinGen allele CA382721992.